The following is an entry in ClinVar:

ClinVar aggregate classification (germline): Uncertain significance (1 of 4 stars; one submission).

Conditions:
Xeroderma pigmentosum, group F (XPF). Also called: XERODERMA PIGMENTOSUM, COMPLEMENTATION GROUP F; ERCC4-Related Xeroderma Pigmentosum; XERODERMA PIGMENTOSUM VI; XP, GROUP F; XERODERMA PIGMENTOSUM, TYPE F; Xeroderma pigmentosum, type 6. Identifiers: MedGen C0268140, MONDO:0010215, OMIM 278760.

Submission:

St. Jude Molecular Pathology, St. Jude Children's Research Hospital
Classification: Uncertain significance for Xeroderma pigmentosum, group F. Last evaluated: 2023-03-31. Review status: criteria provided, single submitter. Criteria: St. Jude Assertion Criteria 2020. Collection method: clinical testing. Allele origin: germline.
Comment: The ERCC4 c.1662C>G (p.Ile554Met) missense change is absent in gnomAD v2.1.1. The in silico tool REVEL predicts a benign effect on protein function, but to our knowledge this prediction has not been confirmed by functional studies. To our knowledge, this variant has not been reported in individuals with Fanconi anemia or Xeroderma pigmentosum. In summary, the evidence currently available is insufficient to determine the clinical significance of this variant. It has therefore been classified as of uncertain significance.

NM_005236.3(ERCC4):c.1662C>G (p.Ile554Met)

Gene: ERCC4 (ERCC excision repair 4, endonuclease catalytic subunit; plus strand). Cytogenetic location: 16p13.12.
Variant type: single nucleotide variant.
Coding change: c.1662C>G on transcript NM_005236.3 (MANE Select); coding-DNA position 1662, C replaced by G.
Protein change: p.Ile554Met; replaces isoleucine 554 with methionine.
Molecular consequence: missense variant.
Genome position (GRCh38, 1-based): chr16:13,935,594, C>G. VCF-style: chr16-13935594-C-G. GRCh37 (hg19) VCF-style: chr16-14029451-C-G.
Other names: short protein forms I554M.
Identifiers: ClinVar variation 2503514 (VCV002503514.1), dbSNP rs2543181408, ClinGen allele CA394812264.